The following is an entry in ClinVar:

NM_000548.5(TSC2):c.5039G>A (p.Cys1680Tyr)

Gene: TSC2 (TSC complex subunit 2; plus strand). Cytogenetic location: 16p13.3.
Variant type: single nucleotide variant.
Coding change: c.5039G>A on transcript NM_000548.5 (MANE Select); coding-DNA position 5039, G replaced by A.
Protein change: p.Cys1680Tyr; replaces cysteine 1680 with tyrosine.
Molecular consequence: missense variant.
Genome position (GRCh38, 1-based): chr16:2,087,912, G>A. VCF-style: chr16-2087912-G-A. GRCh37 (hg19) VCF-style: chr16-2137913-G-A.
Other names: p.C1680Y:TGC>TAC; c.4838G>A, p.Cys1613Tyr (NM_001077183.3); c.4970G>A, p.Cys1657Tyr (NM_001114382.3); c.4730G>A, p.Cys1577Tyr (NM_001318827.2); c.4694G>A, p.Cys1565Tyr (NM_001318829.2); c.4307G>A, p.Cys1436Tyr (NM_001318831.2); c.4871G>A, p.Cys1624Tyr (NM_001318832.2); c.4841G>A, p.Cys1614Tyr (NM_001363528.2); and 2 more; short protein forms C1680Y, C1657Y, C1565Y, C1613Y, C1614Y, C1636Y, C1637Y, C1577Y.
Identifiers: ClinVar variation 207758 (VCV000207758.25), dbSNP rs150558493, ClinGen allele CA053573.

ClinVar aggregate classification (germline): Conflicting classifications of pathogenicity. Review status: criteria provided, conflicting classifications (1 of 4 stars). 6 submissions from 6 submitters: Uncertain significance (3); Likely benign (3). Last evaluated 2026-03-17.

Conditions:
Lymphangiomyomatosis (LAM). Also called: Lymphangioleiomyomatosis; Lymphangioleiomyomatosis, somatic. Identifiers: Orphanet 538, MedGen C0751674, MONDO:0011705, OMIM 606690.
Isolated focal cortical dysplasia type II (FCORD2). Also called: Focal cortical dysplasia type II; CORTICAL DYSPLASIA OF TAYLOR. Identifiers: Orphanet 268994, MedGen C1846385, MONDO:0011818, OMIM 607341, HP:0032051.
Tuberous sclerosis 2 (TSC2). Identifiers: Orphanet 805, MedGen C1860707, MONDO:0013199, OMIM 613254.
Hereditary cancer-predisposing syndrome. Also called: Tumor predisposition; Hereditary Cancer Syndrome; Hereditary neoplastic syndrome; Neoplastic Syndromes, Hereditary. Identifiers: Orphanet 140162, MedGen C0027672, MeSH D009386, MONDO:0015356.
Tuberous sclerosis syndrome (TSC). Also called: Tuberous Sclerosis Complex; Tuberous sclerosis. Identifiers: Orphanet 805, MedGen C0041341, MONDO:0001734.

Allele frequency attached by ClinVar (database versions not stated): ESP Exome Variant Server 0.00008; gnomAD exomes 0.00001; ExAC 0.00001; TOPMed 0.00001.
gnomAD v4.1: 7 of 1,612,920 alleles (0.00043%); highest among the groups gnomAD compares: African/African-American, 0.0053%; no homozygotes.

Submissions (6):

Ambry Genetics
Classification: Uncertain significance for Hereditary cancer-predisposing syndrome. Last evaluated: 2026-03-17. Review status: criteria provided, single submitter. Criteria: Ambry Variant Classification Scheme 2023. Collection method: clinical testing. Allele origin: germline.
Comment: The p.C1680Y variant (also known as c.5039G>A), located in coding exon 38 of the TSC2 gene, results from a G to A substitution at nucleotide position 5039. The cysteine at codon 1680 is replaced by tyrosine, an amino acid with highly dissimilar properties. This variant has been detected in multiple individuals with no reported features of Tuberous sclerosis complex (Ambry internal data). This amino acid position is well conserved in available vertebrate species. In addition, this alteration is predicted to be deleterious by in silico analysis. Based on the available evidence, the clinical significance of this variant remains unclear.

Labcorp Genetics (formerly Invitae), Labcorp
Classification: Likely benign for Tuberous sclerosis 2. Last evaluated: 2026-02-04. Review status: criteria provided, single submitter. Criteria: Invitae Variant Classification Sherloc (09022015). Collection method: clinical testing. Allele origin: germline.

GeneDx
Classification: Uncertain significance. Last evaluated: 2024-11-17. Review status: criteria provided, single submitter. Criteria: GeneDx Variant Classification Process June 2021. Collection method: clinical testing. Allele origin: germline. Affected: yes.
Comment: In silico analysis supports that this missense variant has a deleterious effect on protein structure/function; Has not been previously published as pathogenic or benign to our knowledge; This variant is associated with the following publications: (PMID: 18466115)

Color Diagnostics, LLC DBA Color Health
Classification: Uncertain significance for Tuberous sclerosis syndrome. Last evaluated: 2024-04-24. Review status: criteria provided, single submitter. Criteria: ACMG Guidelines, 2015. Collection method: clinical testing. Allele origin: germline.
Comment: This missense variant replaces cysteine with tyrosine at codon 1680 of the TSC2 protein. Computational prediction suggests that this variant may have deleterious impact on protein structure and function. To our knowledge, functional studies have not been reported for this variant. This variant has not been reported in individuals affected with TSC2-related disorders in the literature. This variant has been identified in 2/249856 chromosomes in the general population by the Genome Aggregation Database (gnomAD). The available evidence is insufficient to determine the role of this variant in disease conclusively. Therefore, this variant is classified as a Variant of Uncertain Significance.

Fulgent Genetics
Classification: Likely benign for Lymphangiomyomatosis; Isolated focal cortical dysplasia type II; Tuberous sclerosis 2. Last evaluated: 2024-03-24. Review status: criteria provided, single submitter. Criteria: ACMG Guidelines, 2015. Collection method: clinical testing. Allele origin: germline.

Genome-Nilou Lab
Classification: Likely benign for Tuberous sclerosis 2. Last evaluated: 2021-11-07. Review status: criteria provided, single submitter. Criteria: ACMG Guidelines, 2015. Collection method: clinical testing. Allele origin: germline. Affected: no.